The following is an entry in ClinVar:

ClinVar aggregate classification (germline): Uncertain significance (1 of 4 stars; one submission).

Conditions:
Inflammatory skin and bowel disease, neonatal, 1. Identifiers: Orphanet 294023, MedGen C3280501, MONDO:0013693, OMIM 614328.

Allele frequency attached by ClinVar (database versions not stated): TOPMed below 0.00001.
gnomAD v4.1: 1 of 1,584,830 alleles (0.000063%); no homozygotes.

Submission:

Labcorp Genetics (formerly Invitae), Labcorp
Classification: Uncertain significance for Inflammatory skin and bowel disease, neonatal, 1. Last evaluated: 2020-10-09. Review status: criteria provided, single submitter. Criteria: Invitae Variant Classification Sherloc (09022015). Collection method: clinical testing. Allele origin: germline.
Comment: In summary, the available evidence is currently insufficient to determine the role of this variant in disease. Therefore, it has been classified as a Variant of Uncertain Significance. Algorithms developed to predict the effect of missense changes on protein structure and function are either unavailable or do not agree on the potential impact of this missense change (SIFT: "Not Available"; PolyPhen-2: "Benign"; Align-GVGD: "Not Available"). This variant has not been reported in the literature in individuals with ADAM17-related conditions. This variant is not present in population databases (ExAC no frequency). This sequence change replaces serine with leucine at codon 73 of the ADAM17 protein (p.Ser73Leu). The serine residue is moderately conserved, and there is a large physicochemical difference between serine and leucine.

NM_003183.6(ADAM17):c.218C>T (p.Ser73Leu)

Gene: ADAM17 (ADAM metallopeptidase domain 17; minus strand). Cytogenetic location: 2p25.1.
Variant type: single nucleotide variant.
Coding change: c.218C>T on transcript NM_003183.6 (MANE Select); coding-DNA position 218, C replaced by T.
Protein change: p.Ser73Leu; replaces serine 73 with leucine.
Molecular consequence: missense variant. On other transcripts: 5 prime UTR variant (2).
Genome position (GRCh38, 1-based): chr2:9,543,165, G>A on the plus strand (C>T on the coding strand, the complement: ADAM17 is on the minus strand). VCF-style: chr2-9543165-G-A. GRCh37 (hg19) VCF-style: chr2-9683294-G-A.
Other names: c.-463C>T (NM_001382777.1); c.-705C>T (NM_001382778.1); short protein forms S73L.
Identifiers: ClinVar variation 1061825 (VCV001061825.7), dbSNP rs986450748, ClinGen allele CA42393350.